The following is an entry in ClinVar:

ClinVar aggregate classification (germline): Uncertain significance. Review status: criteria provided, multiple submitters, no conflicts (2 of 4 stars). 3 submissions from 3 submitters: Uncertain significance (3). Last evaluated 2022-09-29.

Conditions:
Autosomal dominant Parkinson disease 8. Also called: LRRK2-Related Parkinson Disease; Parkinson disease 8; Parkinson disease 8, susceptibility to. Identifiers: Orphanet 411602, MedGen C1846862, MONDO:0011764, OMIM 607060.
Inborn genetic diseases. Identifiers: MedGen C0950123, MeSH D030342.

Allele frequency attached by ClinVar (database versions not stated): ExAC 0.00002; gnomAD exomes 0.00002; TOPMed 0.00002; gnomAD 0.00003.
gnomAD v4.1: 38 of 1,613,980 alleles (0.0024%); highest among the groups gnomAD compares: Middle Eastern, 0.016%; no homozygotes.

Submissions (3):

Labcorp Genetics (formerly Invitae), Labcorp
Classification: Uncertain significance for Autosomal dominant Parkinson disease 8. Last evaluated: 2022-09-29. Review status: criteria provided, single submitter. Criteria: Invitae Variant Classification Sherloc (09022015). Collection method: clinical testing. Allele origin: germline.
Comment: This variant is present in population databases (rs781394575, gnomAD 0.01%). This sequence change replaces threonine, which is neutral and polar, with methionine, which is neutral and non-polar, at codon 46 of the LRRK2 protein (p.Thr46Met). This variant has not been reported in the literature in individuals affected with LRRK2-related conditions. ClinVar contains an entry for this variant (Variation ID: 1397201). Advanced modeling of protein sequence and biophysical properties (such as structural, functional, and spatial information, amino acid conservation, physicochemical variation, residue mobility, and thermodynamic stability) has been performed at Invitae for this missense variant, however the output from this modeling did not meet the statistical confidence thresholds required to predict the impact of this variant on LRRK2 protein function. In summary, the available evidence is currently insufficient to determine the role of this variant in disease. Therefore, it has been classified as a Variant of Uncertain Significance.

Fulgent Genetics
Classification: Uncertain significance for Autosomal dominant Parkinson disease 8. Last evaluated: 2021-08-30. Review status: criteria provided, single submitter. Criteria: ACMG Guidelines, 2015. Collection method: clinical testing. Allele origin: unknown.

Ambry Genetics
Classification: Uncertain significance for Inborn genetic diseases. Last evaluated: 2021-08-12. Review status: criteria provided, single submitter. Criteria: Ambry Variant Classification Scheme 2023. Collection method: clinical testing. Allele origin: germline.
Comment: The p.T46M variant (also known as c.137C>T), located in coding exon 1 of the LRRK2 gene, results from a C to T substitution at nucleotide position 137. The threonine at codon 46 is replaced by methionine, an amino acid with similar properties. This amino acid position is conserved. In addition, this alteration is predicted to be tolerated by in silico analysis. Since supporting evidence is limited at this time, the clinical significance of this alteration remains unclear.

NM_198578.4(LRRK2):c.137C>T (p.Thr46Met)

Gene: LRRK2 (leucine rich repeat kinase 2; plus strand). Cytogenetic location: 12q12.
Variant type: single nucleotide variant.
Coding change: c.137C>T on transcript NM_198578.4 (MANE Select); coding-DNA position 137, C replaced by T.
Protein change: p.Thr46Met; replaces threonine 46 with methionine.
Molecular consequence: missense variant.
Genome position (GRCh38, 1-based): chr12:40,225,268, C>T. VCF-style: chr12-40225268-C-T. GRCh37 (hg19) VCF-style: chr12-40619070-C-T.
Other names: short protein forms T46M.
Identifiers: ClinVar variation 1397201 (VCV001397201.9), dbSNP rs781394575, ClinGen allele CA6512980.